The following is an entry in ClinVar:

NM_001429.4(EP300):c.47C>G (p.Pro16Arg)

Genes: EP300 (EP300 lysine acetyltransferase; plus strand), LOC130067530 (ATAC-STARR-seq lymphoblastoid active region 19106; plus strand). Cytogenetic location: 22q13.2.
Variant type: single nucleotide variant.
Coding change: c.47C>G on transcript NM_001429.4 (MANE Select); coding-DNA position 47, C replaced by G.
Protein change: p.Pro16Arg; replaces proline 16 with arginine.
Molecular consequence: missense variant.
Genome position (GRCh38, 1-based): chr22:41,093,051, C>G. VCF-style: chr22-41093051-C-G. GRCh37 (hg19) VCF-style: chr22-41489055-C-G.
Other names: c.47C>G, p.Pro16Arg (NM_001362843.2); short protein forms P16R.
Identifiers: ClinVar variation 2010716 (VCV002010716.4), dbSNP rs2145665599, ClinGen allele CA411679450.

ClinVar aggregate classification (germline): Uncertain significance (1 of 4 stars; one submission).

Conditions:
Rubinstein-Taybi syndrome due to EP300 haploinsufficiency. Also called: EP300-Related Rubinstein-Taybi Syndrome; RUBINSTEIN-TAYBI SYNDROME 2. Identifiers: Orphanet 353284, Orphanet 783, MedGen C3150941, MONDO:0013364, OMIM 613684.

Submission:

Labcorp Genetics (formerly Invitae), Labcorp
Classification: Uncertain significance for Rubinstein-Taybi syndrome due to EP300 haploinsufficiency. Last evaluated: 2022-06-25. Review status: criteria provided, single submitter. Criteria: Invitae Variant Classification Sherloc (09022015). Collection method: clinical testing. Allele origin: germline.
Comment: In summary, the available evidence is currently insufficient to determine the role of this variant in disease. Therefore, it has been classified as a Variant of Uncertain Significance. Algorithms developed to predict the effect of missense changes on protein structure and function are either unavailable or do not agree on the potential impact of this missense change (SIFT: "Tolerated"; PolyPhen-2: "Not Available"; Align-GVGD: "Class C0"). This variant has not been reported in the literature in individuals affected with EP300-related conditions. This variant is not present in population databases (gnomAD no frequency). This sequence change replaces proline, which is neutral and non-polar, with arginine, which is basic and polar, at codon 16 of the EP300 protein (p.Pro16Arg).